The following is an entry in ClinVar:

NM_003906.5(MCM3AP):c.3334G>A (p.Gly1112Ser)

Gene: MCM3AP (minichromosome maintenance complex component 3 associated protein; minus strand). Cytogenetic location: 21q22.3.
Variant type: single nucleotide variant.
Coding change: c.3334G>A on transcript NM_003906.5 (MANE Select); coding-DNA position 3334, G replaced by A.
Protein change: p.Gly1112Ser; replaces glycine 1112 with serine.
Molecular consequence: missense variant.
Genome position (GRCh38, 1-based): chr21:46,264,118, C>T on the plus strand (G>A on the coding strand, the complement: MCM3AP is on the minus strand). VCF-style: chr21-46264118-C-T. GRCh37 (hg19) VCF-style: chr21-47684032-C-T.
Other names: short protein forms G1112S.
Identifiers: ClinVar variation 1490852 (VCV001490852.5), dbSNP rs1214345816, ClinGen allele CA410558333.

ClinVar aggregate classification (germline): Uncertain significance (1 of 4 stars; one submission).

Allele frequency attached by ClinVar (database versions not stated): gnomAD exomes below 0.00001.

Submission:

Labcorp Genetics (formerly Invitae), Labcorp
Classification: Uncertain significance. Last evaluated: 2022-03-25. Review status: criteria provided, single submitter. Criteria: Invitae Variant Classification Sherloc (09022015). Collection method: clinical testing. Allele origin: germline.
Comment: This sequence change replaces glycine, which is neutral and non-polar, with serine, which is neutral and polar, at codon 1112 of the MCM3AP protein (p.Gly1112Ser). The frequency data for this variant in the population databases is considered unreliable, as metrics indicate poor data quality at this position in the gnomAD database. This variant has not been reported in the literature in individuals affected with MCM3AP-related conditions. Algorithms developed to predict the effect of missense changes on protein structure and function are either unavailable or do not agree on the potential impact of this missense change (SIFT: "Tolerated"; PolyPhen-2: "Probably Damaging"; Align-GVGD: "Class C0"). In summary, the available evidence is currently insufficient to determine the role of this variant in disease. Therefore, it has been classified as a Variant of Uncertain Significance.